The following is an entry in ClinVar:

ClinVar aggregate classification (germline): Uncertain significance (1 of 4 stars; one submission).

Conditions:
LAMA2-related muscular dystrophy (LAMA2-RD). Also called: Laminin alpha 2-related dystrophy. Identifiers: MedGen C5679788, MONDO:0100228.

Allele frequency attached by ClinVar (database versions not stated): gnomAD exomes below 0.00001.
gnomAD v4.1: 5 of 1,566,090 alleles (0.00032%); highest among the groups gnomAD compares: East Asian, 0.011%; no homozygotes.

Submission:

Labcorp Genetics (formerly Invitae), Labcorp
Classification: Uncertain significance for LAMA2-related muscular dystrophy. Last evaluated: 2022-07-25. Review status: criteria provided, single submitter. Criteria: Invitae Variant Classification Sherloc (09022015). Collection method: clinical testing. Allele origin: germline.
Comment: This sequence change falls in intron 2 of the LAMA2 gene. It does not directly change the encoded amino acid sequence of the LAMA2 protein. It affects a nucleotide within the consensus splice site. This variant is not present in population databases (gnomAD no frequency). This variant has not been reported in the literature in individuals affected with LAMA2-related conditions. Variants that disrupt the consensus splice site are a relatively common cause of aberrant splicing (PMID: 17576681, 9536098). Algorithms developed to predict the effect of sequence changes on RNA splicing suggest that this variant is not likely to affect RNA splicing. In summary, the available evidence is currently insufficient to determine the role of this variant in disease. Therefore, it has been classified as a Variant of Uncertain Significance.

Literature cited by the submitters: PubMed 17576681; PubMed 9536098.

NM_000426.4(LAMA2):c.284-3T>C

Gene: LAMA2 (laminin subunit alpha 2; plus strand). Cytogenetic location: 6q22.33.
Variant type: single nucleotide variant.
Coding change: c.284-3T>C on transcript NM_000426.4 (MANE Select); 3 bases into the intron before coding-DNA position 284, T replaced by C.
Molecular consequence: intron variant.
Genome position (GRCh38, 1-based): chr6:129,059,781, T>C. VCF-style: chr6-129059781-T-C. GRCh37 (hg19) VCF-style: chr6-129380926-T-C.
Other names: c.284-3T>C (NM_001079823.2).
Identifiers: ClinVar variation 1990996 (VCV001990996.1), dbSNP rs2114795368, ClinGen allele CA2580074876.
Genomic context (GRCh38, chr6:129,059,781, plus strand): 5'-AAGCTATAAACTAGTTATATGATCTTTTCTTCTTCCTTTCATATGATGCTGCTAACTCAA[T>C]AGAGAGACACCCGATTACAAATGCTATTGATGGAAAGAACACTTGGTGGCAGAGTCCCAG-3'